The following is an entry in ClinVar:

ClinVar aggregate classification (germline): Uncertain significance (1 of 4 stars; one submission).

Conditions:
Kleefstra syndrome 1 (KLEFS1). Identifiers: Orphanet 261494, MedGen C0795833, MONDO:0027407, OMIM 610253.

Submission:

Labcorp Genetics (formerly Invitae), Labcorp
Classification: Uncertain significance for Kleefstra syndrome 1. Last evaluated: 2025-05-04. Review status: criteria provided, single submitter. Criteria: Invitae Variant Classification Sherloc (09022015). Collection method: clinical testing. Allele origin: germline.
Comment: This sequence change replaces serine, which is neutral and polar, with phenylalanine, which is neutral and non-polar, at codon 496 of the EHMT1 protein (p.Ser496Phe). This variant is not present in population databases (gnomAD no frequency). This variant has not been reported in the literature in individuals affected with EHMT1-related conditions. Invitae Evidence Modeling of protein sequence and biophysical properties (such as structural, functional, and spatial information, amino acid conservation, physicochemical variation, residue mobility, and thermodynamic stability) indicates that this missense variant is not expected to disrupt EHMT1 protein function with a negative predictive value of 80%. In summary, the available evidence is currently insufficient to determine the role of this variant in disease. Therefore, it has been classified as a Variant of Uncertain Significance.

NM_024757.5(EHMT1):c.1487C>T (p.Ser496Phe)

Gene: EHMT1 (euchromatic histone lysine methyltransferase 1; plus strand). Cytogenetic location: 9q34.3.
Variant type: single nucleotide variant.
Coding change: c.1487C>T on transcript NM_024757.5 (MANE Select); coding-DNA position 1487, C replaced by T.
Protein change: p.Ser496Phe; replaces serine 496 with phenylalanine.
Molecular consequence: missense variant.
Genome position (GRCh38, 1-based): chr9:137,757,997, C>T. VCF-style: chr9-137757997-C-T. GRCh37 (hg19) VCF-style: chr9-140652449-C-T.
Other names: c.1487C>T, p.Ser496Phe (NM_001145527.2, NM_001354611.2); c.1394C>T, p.Ser465Phe (NM_001354259.2, NM_001354612.2); c.1466C>T, p.Ser489Phe (NM_001354263.2); short protein forms S489F, S496F, S465F.
Identifiers: ClinVar variation 4747298 (VCV004747298.1).